The following is an entry in ClinVar:

NM_001267550.2(TTN):c.95246del (p.Glu31749fs)

Genes: TTN-AS1 (TTN antisense RNA 1; plus strand), TTN (titin; minus strand). Cytogenetic location: 2q31.2.
Variant type: Deletion.
Coding change: c.95246del on transcript NM_001267550.2 (MANE Select); coding-DNA position 95246, one base deleted (A; older notation c.95246delA).
Protein change: p.Glu31749fs; shifts the reading frame from glutamic acid 31749.
Molecular consequence: frameshift variant.
Genome position (GRCh38, 1-based): chr2:178,545,990, T deleted on the plus strand (A on the coding strand, the reverse complement: TTN is on the minus strand). VCF-style (leftmost placement, unchanged base first): chr2-178545989-CT-C. GRCh37 (hg19) VCF-style: chr2-179410716-CT-C.
Other names: c.90323del, p.Glu30108fs (NM_001256850.1); c.68051del, p.Glu22684fs (NM_003319.4); c.87542del, p.Glu29181fs (NM_133378.4); c.68426del, p.Glu22809fs (NM_133432.3); c.68627del, p.Glu22876fs (NM_133437.4); short protein forms E22684fs, E22809fs, E30108fs, E31749fs, E29181fs, E22876fs.
Identifiers: ClinVar variation 950680 (VCV000950680.1), dbSNP rs1696922090, ClinGen allele CA1139657403.

ClinVar aggregate classification (germline): Likely pathogenic (1 of 4 stars; one submission).

Conditions:
Dilated cardiomyopathy 1G (CMD1G). Identifiers: Orphanet 154, MedGen C1858763, MONDO:0011400, OMIM 604145.
Autosomal recessive limb-girdle muscular dystrophy type 2J (LGMDR10). Also called: Limb-girdle muscular dystrophy, type 2J; MUSCULAR DYSTROPHY, LIMB-GIRDLE, AUTOSOMAL RECESSIVE 10. Identifiers: Orphanet 140922, MedGen C1837342, MONDO:0012127, OMIM 608807.

Submission:

Labcorp Genetics (formerly Invitae), Labcorp
Classification: Likely pathogenic for Dilated cardiomyopathy 1G; Limb-girdle muscular dystrophy, type 2J. Last evaluated: 2019-07-02. Review status: criteria provided, single submitter. Criteria: Invitae Variant Classification Sherloc (09022015). Collection method: clinical testing. Allele origin: germline.
Comment: This sequence change results in a premature translational stop signal in the TTN gene (p.Glu31749Glyfs*8). While this is not anticipated to result in nonsense mediated decay, it is expected to create a truncated TTN protein. This variant is not present in population databases (ExAC no frequency). This variant has not been reported in the literature in individuals with TTN-related conditions. This variant is located in the A band of TTN (PMID: 25589632). Truncating variants in this region are significantly overrepresented in patients affected with dilated cardiomyopathy (PMID: 25589632). Truncating variants in this region have also been reported in individuals affected with autosomal recessive centronuclear myopathy (PMID: 23975875). In summary, the currently available evidence indicates that the variant is pathogenic, but additional data are needed to prove that conclusively. Therefore, this variant has been classified as Likely Pathogenic.

Literature cited by the submitters: PubMed 23975875; PubMed 25589632.